The following is an entry in ClinVar:

NM_032043.3(BRIP1):c.1350A>G (p.Glu450=)

Gene: BRIP1 (BRCA1 interacting DNA helicase 1; minus strand). Cytogenetic location: 17q23.2.
Variant type: single nucleotide variant.
Coding change: c.1350A>G on transcript NM_032043.3 (MANE Select); coding-DNA position 1350, A replaced by G.
Protein change: p.Glu450=; no amino-acid change (glutamic acid 450 retained).
Molecular consequence: synonymous variant.
Genome position (GRCh38, 1-based): chr17:61,793,720, T>C on the plus strand (A>G on the coding strand, the complement: BRIP1 is on the minus strand). VCF-style: chr17-61793720-T-C. GRCh37 (hg19) VCF-style: chr17-59871081-T-C.
Identifiers: ClinVar variation 3379366 (VCV003379366.1).

ClinVar aggregate classification (germline): Benign (1 of 4 stars; one submission).

Conditions:
Familial cancer of breast. Also called: hereditary breast carcinoma; Hereditary breast cancer; BREAST CANCER, FAMILIAL. Identifiers: Orphanet 227535, MedGen C0346153, MONDO:0016419, OMIM 114480. Disease mechanism: loss of function.

Submission:

Myriad Genetics, Inc.
Classification: Benign for Familial cancer of breast. Last evaluated: 2024-08-27. Review status: criteria provided, single submitter. Criteria: Myriad Autosomal Dominant, Autosomal Recessive and X-Linked Classification Criteria (2023). Collection method: clinical testing. Allele origin: unknown.
Comment: This variant is considered benign. This variant is a silent/synonymous amino acid change and it is not expected to impact splicing.